The following is an entry in ClinVar:

ClinVar aggregate classification (germline): Likely pathogenic (1 of 4 stars; one submission).

Conditions:
Polycystic kidney disease 9, susceptibility to. Identifiers: MedGen C6012712, MONDO:0976267, OMIM 621164.

Submission:

MVZ Medizinische Genetik Mainz
Classification: Likely pathogenic for Polycystic kidney disease 9, susceptibility to. Last evaluated: 2026-08-07. Review status: criteria provided, single submitter. Criteria: UK Practice Guidelines For Variant Classification V4 01 2020. Collection method: clinical testing. Allele origin: germline. Inheritance: Autosomal dominant inheritance. Affected: yes. Observed: 1 variant allele.
Comment: ACMG Criteria: PVS1,PM2_SUP

NM_014714.4(IFT140):c.2397_2398dup (p.Ser800fs)

Gene: IFT140 (intraflagellar transport 140; minus strand). Cytogenetic location: 16p13.3.
Variant type: Duplication.
Coding change: c.2397_2398dup on transcript NM_014714.4 (MANE Select); coding-DNA positions 2397 to 2398, 2 bases duplicated (AA; older notation c.2397_2398dupAA).
Protein change: p.Ser800fs; shifts the reading frame from serine 800.
Molecular consequence: frameshift variant.
Genome position (GRCh38, 1-based): chr16:1,557,936-1,557,937, TT duplicated on the plus strand (AA on the coding strand, the reverse complement: IFT140 is on the minus strand); duplicating any 2 consecutive bases within chr16:1,557,936-1,557,939 gives the same sequence; the c. name uses the placement nearest the transcript's 3' end. VCF-style (leftmost placement, unchanged base first): chr16-1557935-C-CTT. GRCh37 (hg19) VCF-style: chr16-1607936-C-CTT.
Other names: short protein forms S800fs.
Identifiers: ClinVar variation 5038250 (VCV005038250.1).